The following is an entry in ClinVar:

ClinVar aggregate classification (germline): Pathogenic (1 of 4 stars; one submission).

Conditions:
Bardet-Biedl syndrome (BBS). Identifiers: Orphanet 110, MedGen C0752166, MONDO:0015229.

Submission:

Labcorp Genetics (formerly Invitae), Labcorp
Classification: Pathogenic for Bardet-Biedl syndrome. Last evaluated: 2023-09-08. Review status: criteria provided, single submitter. Criteria: Invitae Variant Classification Sherloc (09022015). Collection method: clinical testing. Allele origin: germline.
Comment: For these reasons, this variant has been classified as Pathogenic. ClinVar contains an entry for this variant (Variation ID: 1456753). This variant has not been reported in the literature in individuals affected with BBS2-related conditions. This variant is not present in population databases (gnomAD no frequency). This sequence change creates a premature translational stop signal (p.Gly38Alafs*41) in the BBS2 gene. It is expected to result in an absent or disrupted protein product. Loss-of-function variants in BBS2 are known to be pathogenic (PMID: 11285252, 20177705, 24608809, 26518167).

Literature cited by the submitters: PubMed 11285252; PubMed 20177705; PubMed 24608809; PubMed 26518167.

NM_031885.5(BBS2):c.113del (p.Gly38fs)

Gene: BBS2 (Bardet-Biedl syndrome 2; minus strand). Cytogenetic location: 16q13.
Variant type: Deletion.
Coding change: c.113del on transcript NM_031885.5 (MANE Select); coding-DNA position 113, one base deleted (G; older notation c.113delG).
Protein change: p.Gly38fs; shifts the reading frame from glycine 38.
Molecular consequence: frameshift variant. On other transcripts: non-coding transcript variant (5).
Genome position (GRCh38, 1-based): chr16:56,519,750, C deleted on the plus strand (G on the coding strand, the reverse complement: BBS2 is on the minus strand); the first of 3 consecutive C bases (chr16:56,519,750-56,519,752); deleting any one gives the same sequence. VCF-style (leftmost placement, unchanged base first): chr16-56519749-GC-G. GRCh37 (hg19) VCF-style: chr16-56553661-GC-G.
Other names: c.113del, p.Gly38fs (NM_001377456.1); short protein forms G38fs.
Identifiers: ClinVar variation 1456753 (VCV001456753.6), dbSNP rs2144214277, ClinGen allele CA2573152437.